The following is an entry in ClinVar:

ClinVar aggregate classification (germline): Likely benign. Review status: criteria provided, multiple submitters, no conflicts (2 of 4 stars). 2 submissions from 2 submitters: Likely benign (2). Last evaluated 2018-06-19.

Allele frequency attached by ClinVar (database versions not stated): TOPMed 0.00342; 1000 Genomes Project 30x 0.00406; 1000 Genomes Project 0.00439; gnomAD exomes 0.00611; gnomAD 0.00868 and 0.00910.
gnomAD v4.1: 8,846 of 1,399,288 alleles (0.63%); highest among the groups gnomAD compares: Non-Finnish European, 0.55%; 115 homozygotes.

Submissions (2):

GeneDx
Classification: Likely benign. Last evaluated: 2018-06-19. Review status: criteria provided, single submitter. Criteria: GeneDx Variant Classification (06012015). Collection method: clinical testing. Allele origin: germline. Affected: yes.
Comment: This variant is considered likely benign or benign based on one or more of the following criteria: it is a conservative change, it occurs at a poorly conserved position in the protein, it is predicted to be benign by multiple in silico algorithms, and/or has population frequency not consistent with disease.

Breakthrough Genomics
Classification: Likely benign. Review status: criteria provided, single submitter. Criteria: ACMG Guidelines, 2015. Collection method: not provided. Allele origin: germline. Inheritance: Autosomal dominant inheritance. Affected: yes.

NM_003036.4(SKI):c.1998+63T>C

Gene: SKI (SKI proto-oncogene; plus strand). Cytogenetic location: 1p36.32.
Variant type: single nucleotide variant.
Coding change: c.1998+63T>C on transcript NM_003036.4 (MANE Select); 63 bases into the intron after coding-DNA position 1998, T replaced by C.
Molecular consequence: intron variant.
Genome position (GRCh38, 1-based): chr1:2,306,313, T>C. VCF-style: chr1-2306313-T-C. GRCh37 (hg19) VCF-style: chr1-2237752-T-C.
Identifiers: ClinVar variation 676028 (VCV000676028.2), dbSNP rs186951424, ClinGen allele CA16898012.